The following is an entry in ClinVar:

NM_001999.4(FBN2):c.6030T>A (p.Asp2010Glu)

Gene: FBN2 (fibrillin 2; minus strand). Cytogenetic location: 5q23.3.
Variant type: single nucleotide variant.
Coding change: c.6030T>A on transcript NM_001999.4 (MANE Select); coding-DNA position 6030, T replaced by A.
Protein change: p.Asp2010Glu; replaces aspartic acid 2010 with glutamic acid.
Molecular consequence: missense variant.
Genome position (GRCh38, 1-based): chr5:128,301,398, A>T on the plus strand (T>A on the coding strand, the complement: FBN2 is on the minus strand). VCF-style: chr5-128301398-A-T. GRCh37 (hg19) VCF-style: chr5-127637090-A-T.
Other names: short protein forms D2010E.
Identifiers: ClinVar variation 1004932 (VCV001004932.9), dbSNP rs776937649, ClinGen allele CA360766679.

ClinVar aggregate classification (germline): Uncertain significance (1 of 4 stars; one submission).

Conditions:
Congenital contractural arachnodactyly (CCA). Also called: Beals-Hecht syndrome; Arthrogryposis, distal, type 9; BEALS SYNDROME. Identifiers: Orphanet 115, MedGen C0220668, MONDO:0007363, OMIM 121050.

Allele frequency attached by ClinVar (database versions not stated): TOPMed 0.00001.
gnomAD v4.1: 9 of 1,613,412 alleles (0.00056%); highest among the groups gnomAD compares: Non-Finnish European, 0.00076%; no homozygotes.

Submission:

Labcorp Genetics (formerly Invitae), Labcorp
Classification: Uncertain significance for Congenital contractural arachnodactyly. Last evaluated: 2024-04-03. Review status: criteria provided, single submitter. Criteria: Invitae Variant Classification Sherloc (09022015). Collection method: clinical testing. Allele origin: germline.
Comment: This sequence change replaces aspartic acid, which is acidic and polar, with glutamic acid, which is acidic and polar, at codon 2010 of the FBN2 protein (p.Asp2010Glu). This variant is not present in population databases (gnomAD no frequency). This variant has not been reported in the literature in individuals affected with FBN2-related conditions. ClinVar contains an entry for this variant (Variation ID: 1004932). Advanced modeling of protein sequence and biophysical properties (such as structural, functional, and spatial information, amino acid conservation, physicochemical variation, residue mobility, and thermodynamic stability) performed at Invitae indicates that this missense variant is not expected to disrupt FBN2 protein function with a negative predictive value of 80%. This variant disrupts the p.Asp2010 amino acid residue in FBN2. Other variant(s) that disrupt this residue have been determined to be pathogenic (Invitae). This suggests that this residue is clinically significant, and that variants that disrupt this residue are likely to be disease-causing. In summary, the available evidence is currently insufficient to determine the role of this variant in disease. Therefore, it has been classified as a Variant of Uncertain Significance.